The following is an entry in ClinVar:

NM_003846.3(PEX11B):c.721G>A (p.Val241Met)

Gene: PEX11B (peroxisomal biogenesis factor 11 beta; minus strand). Cytogenetic location: 1q21.1.
Variant type: single nucleotide variant.
Coding change: c.721G>A on transcript NM_003846.3 (MANE Select); coding-DNA position 721, G replaced by A.
Protein change: p.Val241Met; replaces valine 241 with methionine.
Molecular consequence: missense variant. On other transcripts: non-coding transcript variant (3).
Genome position (GRCh38, 1-based): chr1:145,912,220, C>T on the plus strand (G>A on the coding strand, the complement: PEX11B is on the minus strand). VCF-style: chr1-145912220-C-T. GRCh37 (hg19) VCF-style: chr1-145522860-G-A.
Other names: c.721G>A (NM_003846.2); c.679G>A, p.Val227Met (NM_001184795.1); short protein forms V227M, V241M.
Identifiers: ClinVar variation 1404930 (VCV001404930.7), dbSNP rs782664251, ClinGen allele CA1055655.

ClinVar aggregate classification (germline): Uncertain significance. Review status: criteria provided, multiple submitters, no conflicts (2 of 4 stars). 3 submissions from 3 submitters: Uncertain significance (3). Last evaluated 2024-10-16.

Conditions:
Inborn genetic diseases. Identifiers: MedGen C0950123, MeSH D030342.

Allele frequency attached by ClinVar (database versions not stated): gnomAD 0.00001; gnomAD exomes 0.00001 and 0.00002; ExAC 0.00002.

Submissions (3):

Blueprint Genetics
Classification: Uncertain significance. Last evaluated: 2024-10-16. Review status: criteria provided, single submitter. Criteria: ACMG Guidelines, 2015. Collection method: clinical testing. Allele origin: germline.

Ambry Genetics
Classification: Uncertain significance for Inborn genetic diseases. Last evaluated: 2023-05-23. Review status: criteria provided, single submitter. Criteria: Ambry Variant Classification Scheme 2023. Collection method: clinical testing. Allele origin: germline.

Labcorp Genetics (formerly Invitae), Labcorp
Classification: Uncertain significance. Last evaluated: 2022-09-06. Review status: criteria provided, single submitter. Criteria: Invitae Variant Classification Sherloc (09022015). Collection method: clinical testing. Allele origin: germline.
Comment: This sequence change replaces valine, which is neutral and non-polar, with methionine, which is neutral and non-polar, at codon 241 of the PEX11B protein (p.Val241Met). This variant is present in population databases (rs782664251, gnomAD 0.007%). This variant has not been reported in the literature in individuals affected with PEX11B-related conditions. ClinVar contains an entry for this variant (Variation ID: 1404930). Algorithms developed to predict the effect of missense changes on protein structure and function are either unavailable or do not agree on the potential impact of this missense change (SIFT: "Deleterious"; PolyPhen-2: "Benign"; Align-GVGD: "Class C0"). In summary, the available evidence is currently insufficient to determine the role of this variant in disease. Therefore, it has been classified as a Variant of Uncertain Significance.